The following is an entry in ClinVar:

ClinVar aggregate classification (germline): Uncertain significance (1 of 4 stars; one submission).

Allele frequency attached by ClinVar (database versions not stated): TOPMed below 0.00001.
gnomAD v4.1: 1 of 1,563,022 alleles (0.000064%); highest among the groups gnomAD compares: Admixed American, 0.0018%; no homozygotes.

Submission:

GeneDx
Classification: Uncertain significance. Last evaluated: 2022-06-15. Review status: criteria provided, single submitter. Criteria: GeneDx Variant Classification Process June 2021. Collection method: clinical testing. Allele origin: germline. Affected: yes.
Comment: Not observed at significant frequency in large population cohorts (gnomAD); In silico analysis supports that this variant does not alter protein structure/function; Has not been previously published as pathogenic or benign to our knowledge

NM_014516.4(CNOT3):c.1214G>T (p.Gly405Val)

Gene: CNOT3 (CCR4-NOT transcription complex subunit 3; plus strand). Cytogenetic location: 19q13.42.
Variant type: single nucleotide variant.
Coding change: c.1214G>T on transcript NM_014516.4 (MANE Select); coding-DNA position 1214, G replaced by T.
Protein change: p.Gly405Val; replaces glycine 405 with valine.
Molecular consequence: missense variant.
Genome position (GRCh38, 1-based): chr19:54,148,467, G>T. VCF-style: chr19-54148467-G-T. GRCh37 (hg19) VCF-style: chr19-54652202-G-T.
Other names: short protein forms G405V.
Identifiers: ClinVar variation 1804510 (VCV001804510.1), dbSNP rs760701265, ClinGen allele CA407764906.
Genomic context (GRCh38, chr19:54,148,467, plus strand): 5'-CGACCCAGCCCCGGCCCCCCAGCGTCCAGCCTAGCGGAGGCGGAGGCGGCGGCAGCGGAG[G>T]CGGAGGGAGCAGCAGCAGTAGTAACAGCAGTGCCGGTGGAGGGGCTGGCAAGCAGAATGG-3'
Protein context (NP_055331.1, residues 395-415): PSGGGGGGSG[Gly405Val]GGSSSSSNSS